The following is an entry in ClinVar:

NM_000518.5(HBB):c.315+2T>G

Genes: HBB (hemoglobin subunit beta; minus strand), LOC106099062 (HBB recombination region; plus strand), LOC107133510 (origin of replication at HBB; plus strand), LOC110006319 (beta-globin gene 3' regulatory region; plus strand). Cytogenetic location: 11p15.4.
Variant type: single nucleotide variant.
Coding change: c.315+2T>G on transcript NM_000518.5 (MANE Select); the canonical splice donor site of the intron after coding-DNA position 315, T replaced by G.
Molecular consequence: splice donor variant.
Genome position (GRCh38, 1-based): chr11:5,226,575, A>C on the plus strand (T>G on the coding strand, the complement: HBB is on the minus strand). VCF-style: chr11-5226575-A-C. GRCh37 (hg19) VCF-style: chr11-5247805-A-C.
Other names: IVS II-2 T>G.
Identifiers: ClinVar variation 439146 (VCV000439146.5), dbSNP rs63750283, ClinGen allele CA379273758.

ClinVar aggregate classification (germline): Likely pathogenic. Review status: criteria provided, multiple submitters, no conflicts (2 of 4 stars). 3 submissions from 3 submitters: Likely pathogenic (2). 1 of the submissions does not count toward it. Last evaluated 2024-07-10.

Conditions:
beta Thalassemia (BTHAL). Also called: Cooley's anemia; Erythroblastic anemia; Mediterranean anemia. Identifiers: Orphanet 848, MedGen C0005283, MONDO:0019402. Disease mechanism: loss of function.

Submissions (3):

Women's Health and Genetics/Laboratory Corporation of America, LabCorp
Classification: Likely pathogenic for beta Thalassemia. Last evaluated: 2024-07-10. Review status: criteria provided, single submitter. Criteria: LabCorp Variant Classification Summary - May 2015. Collection method: clinical testing. Allele origin: germline.
Comment: Variant summary: HBB c.315+2T>G is located in a canonical splice-site and is predicted to affect mRNA splicing resulting in a significantly altered protein due to either exon skipping, shortening, or inclusion of intronic material. Several computational tools predict a significant impact on normal splicing: Four predict the variant abolishes a 5' splicing donor site. However, these predictions have yet to be confirmed by functional studies. The variant was absent in 251166 control chromosomes. c.315+2T>G has been reported in the literature in a compound heterozygous patient affected with sickle-cell beta-thalassemia (Rizo-de-la-Torre_2017). To our knowledge, no experimental evidence demonstrating an impact on protein function has been reported. The following publication have been ascertained in the context of this evaluation (PMID: 28603845). ClinVar contains an entry for this variant (Variation ID: 439146). Based on the evidence outlined above, the variant was classified as likely pathogenic.

Quest Diagnostics Nichols Institute San Juan Capistrano
Classification: Likely pathogenic. Last evaluated: 2017-06-24. Review status: criteria provided, single submitter. Criteria: Quest Diagnostics criteria. Collection method: clinical testing. Allele origin: germline.

The ITHANET community portal, The Cyprus Institute of Neurology and Genetics
Classification: Pathogenic for beta Thalassemia. Last evaluated: 2019-11-25. Review status: no assertion criteria provided. Collection method: curation. Allele origin: germline. Not counted in ClinVar's aggregate classification.

Literature cited by the submitters: PubMed 28603845 (cited by Women's Health and Genetics/Laboratory Corporation of America, LabCorp and The ITHANET community portal, The Cyprus Institute of Neurology and Genetics).